The following is an entry in ClinVar:

NM_020937.4(FANCM):c.5532A>C (p.Gln1844His)

Gene: FANCM (FA complementation group M; plus strand). Cytogenetic location: 14q21.2.
Variant type: single nucleotide variant.
Coding change: c.5532A>C on transcript NM_020937.4 (MANE Select); coding-DNA position 5532, A replaced by C.
Protein change: p.Gln1844His; replaces glutamine 1844 with histidine.
Molecular consequence: missense variant.
Genome position (GRCh38, 1-based): chr14:45,196,363, A>C. VCF-style: chr14-45196363-A-C. GRCh37 (hg19) VCF-style: chr14-45665566-A-C.
Other names: c.5454A>C, p.Gln1818His (NM_001308133.2); short protein forms Q1818H, Q1844H.
Identifiers: ClinVar variation 4871158 (VCV004871158.1).

ClinVar aggregate classification (germline): Uncertain significance (1 of 4 stars; one submission).

Conditions:
Inborn genetic diseases. Identifiers: MedGen C0950123, MeSH D030342.

Submission:

Ambry Genetics
Classification: Uncertain significance for Inborn genetic diseases. Last evaluated: 2026-05-21. Review status: criteria provided, single submitter. Criteria: Ambry Variant Classification Scheme 2023. Collection method: clinical testing. Allele origin: germline.
Comment: The p.Q1844H variant (also known as c.5532A>C), located in coding exon 21 of the FANCM gene, results from an A to C substitution at nucleotide position 5532. The glutamine at codon 1844 is replaced by histidine, an amino acid with highly similar properties. This amino acid position is conserved. In addition, this alteration is predicted to be tolerated by in silico analysis. Based on the available evidence, the clinical significance of this variant remains unclear.